The following is an entry in ClinVar:

ClinVar aggregate classification (germline): Uncertain significance (1 of 4 stars; one submission).

Conditions:
Fanconi anemia (FA). Also called: Fanconi's anemia. Identifiers: Orphanet 84, MedGen C0015625, MeSH D005199, MONDO:0019391.

Submission:

Labcorp Genetics (formerly Invitae), Labcorp
Classification: Uncertain significance for Fanconi anemia. Last evaluated: 2022-07-10. Review status: criteria provided, single submitter. Criteria: Invitae Variant Classification Sherloc (09022015). Collection method: clinical testing. Allele origin: germline.
Comment: This sequence change replaces glutamine, which is neutral and polar, with histidine, which is basic and polar, at codon 1844 of the FANCM protein (p.Gln1844His). This variant is not present in population databases (gnomAD no frequency). This variant has not been reported in the literature in individuals affected with FANCM-related conditions. Algorithms developed to predict the effect of missense changes on protein structure and function output the following: SIFT: "Tolerated"; PolyPhen-2: "Benign"; Align-GVGD: "Class C0". The histidine amino acid residue is found in multiple mammalian species, which suggests that this missense change does not adversely affect protein function. In summary, the available evidence is currently insufficient to determine the role of this variant in disease. Therefore, it has been classified as a Variant of Uncertain Significance.

NM_020937.4(FANCM):c.5532A>T (p.Gln1844His)

Gene: FANCM (FA complementation group M; plus strand). Cytogenetic location: 14q21.2.
Variant type: single nucleotide variant.
Coding change: c.5532A>T on transcript NM_020937.4 (MANE Select); coding-DNA position 5532, A replaced by T.
Protein change: p.Gln1844His; replaces glutamine 1844 with histidine.
Molecular consequence: missense variant.
Genome position (GRCh38, 1-based): chr14:45,196,363, A>T. VCF-style: chr14-45196363-A-T. GRCh37 (hg19) VCF-style: chr14-45665566-A-T.
Other names: c.5454A>T, p.Gln1818His (NM_001308133.2); short protein forms Q1844H, Q1818H.
Identifiers: ClinVar variation 2015840 (VCV002015840.4), dbSNP rs970724368, ClinGen allele CA389586059.